The following is an entry in ClinVar:

NM_005633.4(SOS1):c.3580C>T (p.Pro1194Ser)

Gene: SOS1 (SOS Ras/Rac guanine nucleotide exchange factor 1; minus strand). Cytogenetic location: 2p22.1.
Variant type: single nucleotide variant.
Coding change: c.3580C>T on transcript NM_005633.4 (MANE Select); coding-DNA position 3580, C replaced by T.
Protein change: p.Pro1194Ser; replaces proline 1194 with serine.
Molecular consequence: missense variant.
Genome position (GRCh38, 1-based): chr2:38,986,246, G>A on the plus strand (C>T on the coding strand, the complement: SOS1 is on the minus strand). VCF-style: chr2-38986246-G-A. GRCh37 (hg19) VCF-style: chr2-39213387-G-A.
Other names: c.3559C>T, p.Pro1187Ser (NM_001382394.1); c.3535C>T, p.Pro1179Ser (NM_001382395.1); short protein forms P1194S, P1187S, P1179S.
Identifiers: ClinVar variation 1819960 (VCV001819960.6), dbSNP rs781621330, ClinGen allele CA1624147.

ClinVar aggregate classification (germline): Uncertain significance. Review status: criteria provided, multiple submitters, no conflicts (2 of 4 stars). 2 submissions from 2 submitters: Uncertain significance (2). Last evaluated 2022-12-17.

Conditions:
RASopathy. Also called: rasopathies; Noonan spectrum disorder. Identifiers: Orphanet 536391, MedGen C5555857, MONDO:0021060.

Allele frequency attached by ClinVar (database versions not stated): gnomAD exomes below 0.00001; ExAC 0.00001.
gnomAD v4.1: 4 of 1,613,826 alleles (0.00025%); highest among the groups gnomAD compares: South Asian, 0.0033%; no homozygotes.

Submissions (2):

Women's Health and Genetics/Laboratory Corporation of America, LabCorp
Classification: Uncertain significance. Last evaluated: 2022-12-17. Review status: criteria provided, single submitter. Criteria: LabCorp Variant Classification Summary - May 2015. Collection method: clinical testing. Allele origin: germline.

Labcorp Genetics (formerly Invitae), Labcorp
Classification: Uncertain significance for RASopathy. Last evaluated: 2022-09-07. Review status: criteria provided, single submitter. Criteria: Invitae Variant Classification Sherloc (09022015). Collection method: clinical testing. Allele origin: germline.
Comment: This variant has not been reported in the literature in individuals affected with SOS1-related conditions. This sequence change replaces proline, which is neutral and non-polar, with serine, which is neutral and polar, at codon 1194 of the SOS1 protein (p.Pro1194Ser). This variant is present in population databases (rs781621330, gnomAD 0.003%). Algorithms developed to predict the effect of missense changes on protein structure and function are either unavailable or do not agree on the potential impact of this missense change (SIFT: "Tolerated"; PolyPhen-2: "Probably Damaging"; Align-GVGD: "Class C0"). In summary, the available evidence is currently insufficient to determine the role of this variant in disease. Therefore, it has been classified as a Variant of Uncertain Significance.